The following is an entry in ClinVar:

NM_003477.3(PDHX):c.622C>T (p.Arg208Trp)

Gene: PDHX (pyruvate dehydrogenase complex component X; plus strand). Cytogenetic location: 11p13.
Variant type: single nucleotide variant.
Coding change: c.622C>T on transcript NM_003477.3 (MANE Select); coding-DNA position 622, C replaced by T.
Protein change: p.Arg208Trp; replaces arginine 208 with tryptophan.
Molecular consequence: missense variant. On other transcripts: intron variant (1).
Genome position (GRCh38, 1-based): chr11:34,960,499, C>T. VCF-style: chr11-34960499-C-T. GRCh37 (hg19) VCF-style: chr11-34982046-C-T.
Other names: p.Arg208Trp; c.442C>T, p.Arg148Trp (NM_001135024.2); c.342+12893C>T (NM_001166158.2); short protein forms R208W, R148W.
Identifiers: ClinVar variation 638884 (VCV000638884.7), dbSNP rs61752927, ClinGen allele CA5945934.

ClinVar aggregate classification (germline): Uncertain significance. Review status: criteria provided, multiple submitters, no conflicts (2 of 4 stars). 3 submissions from 3 submitters: Uncertain significance (3). Last evaluated 2025-10-23.

Conditions:
Pyruvate dehydrogenase E3-binding protein deficiency (PDHXD). Also called: Lacticacidemia due to PDX1 deficiency; LACTIC ACIDEMIA DUE TO DEFECT IN LIPOYL-CONTAINING COMPONENT X OF THE PYRUVATE DEHYDROGENASE COMPLEX; E3-Binding Protein (Component X) Deficiency; PYRUVATE HYDROGENASE E3-BINDING PROTEIN DEFICIENCY. Identifiers: Orphanet 255182, MedGen C1855553, MONDO:0009503, OMIM 245349.

Allele frequency attached by ClinVar (database versions not stated): ExAC 0.00005; gnomAD exomes 0.00010; gnomAD 0.00011 and 0.00012; TOPMed 0.00011.
gnomAD v4.1: 330 of 1,603,252 alleles (0.021%); highest among the groups gnomAD compares: Non-Finnish European, 0.025%; no homozygotes.

Submissions (3):

Mayo Clinic Laboratories, Mayo Clinic
Classification: Uncertain significance. Last evaluated: 2025-10-23. Review status: criteria provided, single submitter. Criteria: ACMG Guidelines, 2015. Collection method: clinical testing. Allele origin: germline. Observed: 1 variant allele.
Comment: PM2_supporting

Labcorp Genetics (formerly Invitae), Labcorp
Classification: Uncertain significance. Last evaluated: 2024-10-24. Review status: criteria provided, single submitter. Criteria: Invitae Variant Classification Sherloc (09022015). Collection method: clinical testing. Allele origin: germline.
Comment: This sequence change replaces arginine, which is basic and polar, with tryptophan, which is neutral and slightly polar, at codon 208 of the PDHX protein (p.Arg208Trp). This variant is present in population databases (rs61752927, gnomAD 0.02%). This variant has not been reported in the literature in individuals affected with PDHX-related conditions. ClinVar contains an entry for this variant (Variation ID: 638884). Invitae Evidence Modeling of protein sequence and biophysical properties (such as structural, functional, and spatial information, amino acid conservation, physicochemical variation, residue mobility, and thermodynamic stability) indicates that this missense variant is expected to disrupt PDHX protein function with a positive predictive value of 80%. In summary, the available evidence is currently insufficient to determine the role of this variant in disease. Therefore, it has been classified as a Variant of Uncertain Significance.

Baylor Genetics
Classification: Uncertain significance for Pyruvate dehydrogenase E3-binding protein deficiency. Last evaluated: 2019-02-21. Review status: criteria provided, single submitter. Criteria: ACMG Guidelines, 2015. Collection method: clinical testing. Allele origin: unknown. Affected: yes.
Comment: This variant was determined to be of uncertain significance according to ACMG Guidelines, 2015 [PMID:25741868].